The following is an entry in ClinVar:

NM_005121.3(MED13):c.959T>A (p.Met320Lys)

Gene: MED13 (mediator complex subunit 13; minus strand). Cytogenetic location: 17q23.2.
Variant type: single nucleotide variant.
Coding change: c.959T>A on transcript NM_005121.3 (MANE Select); coding-DNA position 959, T replaced by A.
Protein change: p.Met320Lys; replaces methionine 320 with lysine.
Molecular consequence: missense variant.
Genome position (GRCh38, 1-based): chr17:62,031,494, A>T on the plus strand (T>A on the coding strand, the complement: MED13 is on the minus strand). VCF-style: chr17-62031494-A-T. GRCh37 (hg19) VCF-style: chr17-60108855-A-T.
Other names: short protein forms M320K.
Identifiers: ClinVar variation 1707999 (VCV001707999.2), dbSNP rs2509160559, ClinGen allele CA400785660.

ClinVar aggregate classification (germline): Uncertain significance (1 of 4 stars; one submission).

Allele frequency attached by ClinVar (database versions not stated): gnomAD exomes below 0.00001.
gnomAD v4.1: 1 of 1,613,876 alleles (0.000062%); highest among the groups gnomAD compares: Non-Finnish European, 0.000085%; no homozygotes.

Submission:

GeneDx
Classification: Uncertain significance. Last evaluated: 2022-03-30. Review status: criteria provided, single submitter. Criteria: GeneDx Variant Classification Process June 2021. Collection method: clinical testing. Allele origin: germline. Affected: yes.
Comment: Not observed at significant frequency in large population cohorts (gnomAD); In silico analysis supports that this missense variant does not alter protein structure/function; Has not been previously published as pathogenic or benign to our knowledge